The following is an entry in ClinVar:

ClinVar aggregate classification (germline): Uncertain significance (1 of 4 stars; one submission).

Allele frequency attached by ClinVar (database versions not stated): gnomAD 0.00001; gnomAD exomes 0.00002 and 0.00004; TOPMed 0.00002.
gnomAD v4.1: 70 of 1,610,426 alleles (0.0043%); highest among the groups gnomAD compares: Non-Finnish European, 0.0053%; no homozygotes.

Submission:

Labcorp Genetics (formerly Invitae), Labcorp
Classification: Uncertain significance. Last evaluated: 2019-02-14. Review status: criteria provided, single submitter. Criteria: Invitae Variant Classification Sherloc (09022015). Collection method: clinical testing. Allele origin: germline.
Comment: This sequence change replaces lysine with asparagine at codon 7 of the CFAP298 protein (p.Lys7Asn). The lysine residue is highly conserved and there is a moderate physicochemical difference between lysine and asparagine. This variant is not present in population databases (ExAC no frequency). This variant has not been reported in the literature in individuals with CFAP298-related conditions. Algorithms developed to predict the effect of missense changes on protein structure and function are either unavailable or do not agree on the potential impact of this missense change (SIFT: "Deleterious"; PolyPhen-2: "Probably Damaging"; Align-GVGD: "Class C0"). In summary, the available evidence is currently insufficient to determine the role of this variant in disease. Therefore, it has been classified as a Variant of Uncertain Significance.

NM_021254.4(CFAP298):c.21G>C (p.Lys7Asn)

Genes: CFAP298-TCP10L (CFAP298-TCP10L readthrough; minus strand), CFAP298 (cilia and flagella associated protein 298; minus strand). Cytogenetic location: 21q22.11.
Variant type: single nucleotide variant.
Coding change: c.21G>C on transcript NM_021254.4 (MANE Select); coding-DNA position 21, G replaced by C.
Protein change: p.Lys7Asn; replaces lysine 7 with asparagine.
Molecular consequence: missense variant. On other transcripts: non-coding transcript variant (2), 5 prime UTR variant (1).
Genome position (GRCh38, 1-based): chr21:32,612,223, C>G on the plus strand (G>C on the coding strand, the complement: CFAP298 is on the minus strand). VCF-style: chr21-32612223-C-G. GRCh37 (hg19) VCF-style: chr21-33984533-C-G.
Other names: c.21G>C, p.Lys7Asn (NM_001350338.2, NM_001350335.2, NM_001350336.2 and 1 more transcripts); c.-209G>C (NM_001350334.2); short protein forms K7N.
Identifiers: ClinVar variation 836617 (VCV000836617.9), dbSNP rs998845412, ClinGen allele CA319434301.